The following is an entry in ClinVar:

NM_000257.4(MYH7):c.406C>G (p.Pro136Ala)

Gene: MYH7 (myosin heavy chain 7; minus strand). Cytogenetic location: 14q11.2.
Variant type: single nucleotide variant.
Coding change: c.406C>G on transcript NM_000257.4 (MANE Select); coding-DNA position 406, C replaced by G.
Protein change: p.Pro136Ala; replaces proline 136 with alanine.
Molecular consequence: missense variant.
Genome position (GRCh38, 1-based): chr14:23,432,735, G>C on the plus strand (C>G on the coding strand, the complement: MYH7 is on the minus strand). VCF-style: chr14-23432735-G-C. GRCh37 (hg19) VCF-style: chr14-23901944-G-C.
Other names: short protein forms P136A.
Identifiers: ClinVar variation 1523668 (VCV001523668.6), dbSNP rs2138684700, ClinGen allele CA389052883.

ClinVar aggregate classification (germline): Uncertain significance (1 of 4 stars; one submission).

Conditions:
Hypertrophic cardiomyopathy. Also called: HYPERTROPHIC MYOCARDIOPATHY. Identifiers: Orphanet 217569, MedGen C0007194, MeSH D002312, MONDO:0005045, HP:0001639.

Submission:

Labcorp Genetics (formerly Invitae), Labcorp
Classification: Uncertain significance for Hypertrophic cardiomyopathy. Last evaluated: 2023-10-17. Review status: criteria provided, single submitter. Criteria: Invitae Variant Classification Sherloc (09022015). Collection method: clinical testing. Allele origin: germline.
Comment: This sequence change replaces proline, which is neutral and non-polar, with alanine, which is neutral and non-polar, at codon 136 of the MYH7 protein (p.Pro136Ala). This variant is not present in population databases (gnomAD no frequency). This variant has not been reported in the literature in individuals affected with MYH7-related conditions. ClinVar contains an entry for this variant (Variation ID: 1523668). Advanced modeling of protein sequence and biophysical properties (such as structural, functional, and spatial information, amino acid conservation, physicochemical variation, residue mobility, and thermodynamic stability) performed at Invitae indicates that this missense variant is not expected to disrupt MYH7 protein function. In summary, the available evidence is currently insufficient to determine the role of this variant in disease. Therefore, it has been classified as a Variant of Uncertain Significance.